The following is an entry in ClinVar:

ClinVar aggregate classification (germline): Likely benign (1 of 4 stars; one submission).

gnomAD v4.1: 2 of 1,612,858 alleles (0.00012%); highest among the groups gnomAD compares: Non-Finnish European, 0.00017%; no homozygotes.

Submission:

CeGaT Center for Human Genetics Tuebingen
Classification: Likely benign. Last evaluated: 2025-12-01. Review status: criteria provided, single submitter. Criteria: CeGaT Center For Human Genetics Tuebingen Variant Classification Criteria Version 2. Collection method: clinical testing. Allele origin: germline. Affected: yes. Observed: 1 variant allele.
Comment: TBC1D24: BP4, BP7

NM_001199107.2(TBC1D24):c.279C>A (p.Pro93=)

Gene: TBC1D24 (TBC1 domain family member 24; plus strand). Cytogenetic location: 16p13.3.
Variant type: single nucleotide variant.
Coding change: c.279C>A on transcript NM_001199107.2 (MANE Select); coding-DNA position 279, C replaced by A.
Protein change: p.Pro93=; no amino-acid change (proline 93 retained).
Molecular consequence: synonymous variant.
Genome position (GRCh38, 1-based): chr16:2,496,427, C>A. VCF-style: chr16-2496427-C-A. GRCh37 (hg19) VCF-style: chr16-2546428-C-A.
Other names: c.279C>A, p.Pro93= (NM_020705.3).
Identifiers: ClinVar variation 4682064 (VCV004682064.5).